The following is an entry in ClinVar:

NM_006206.6(PDGFRA):c.3010G>A (p.Glu1004Lys)

Gene: PDGFRA (platelet derived growth factor receptor alpha; plus strand). Cytogenetic location: 4q12.
Variant type: single nucleotide variant.
Coding change: c.3010G>A on transcript NM_006206.6 (MANE Select); coding-DNA position 3010, G replaced by A.
Protein change: p.Glu1004Lys; replaces glutamic acid 1004 with lysine.
Molecular consequence: missense variant.
Genome position (GRCh38, 1-based): chr4:54,290,442, G>A. VCF-style: chr4-54290442-G-A. GRCh37 (hg19) VCF-style: chr4-55156609-G-A.
Other names: c.3085G>A, p.Glu1029Lys (NM_001347828.2); c.3010G>A, p.Glu1004Lys (NM_001347829.2); c.3049G>A, p.Glu1017Lys (NM_001347830.2); c.3010G>A (NM_006206.4); short protein forms E1004K, E1029K, E1017K.
Identifiers: ClinVar variation 1366497 (VCV001366497.7), dbSNP rs1376909345, ClinGen allele CA356896182.

ClinVar aggregate classification (germline): Uncertain significance. Review status: criteria provided, multiple submitters, no conflicts (2 of 4 stars). 2 submissions from 2 submitters: Uncertain significance (2). Last evaluated 2026-07-07.

Conditions:
Hereditary cancer-predisposing syndrome. Also called: Hereditary Cancer Syndrome; Neoplastic Syndromes, Hereditary; Hereditary neoplastic syndrome; Tumor predisposition. Identifiers: Orphanet 140162, MedGen C0027672, MeSH D009386, MONDO:0015356.
Gastrointestinal stromal tumor. Also called: Gastrointestinal stromal tumor, somatic; Gastrointestinal stroma tumor. Identifiers: Orphanet 44890, MedGen C0238198, MeSH D046152, MONDO:0011719, OMIM 606764, HP:0100723.

Allele frequency attached by ClinVar (database versions not stated): gnomAD exomes below 0.00001.

Submissions (2):

Ambry Genetics
Classification: Uncertain significance for Hereditary cancer-predisposing syndrome. Last evaluated: 2026-07-07. Review status: criteria provided, single submitter. Criteria: Ambry Variant Classification Scheme 2023. Collection method: clinical testing. Allele origin: germline.
Comment: The p.E1004K variant (also known as c.3010G>A), located in coding exon 21 of the PDGFRA gene, results from a G to A substitution at nucleotide position 3010. The glutamic acid at codon 1004 is replaced by lysine, an amino acid with similar properties. This amino acid position is conserved. In addition, this alteration is predicted to be deleterious by in silico analysis. Based on the available evidence, the clinical significance of this variant remains unclear.

Labcorp Genetics (formerly Invitae), Labcorp
Classification: Uncertain significance for Gastrointestinal stromal tumor. Last evaluated: 2025-07-22. Review status: criteria provided, single submitter. Criteria: Invitae Variant Classification Sherloc (09022015). Collection method: clinical testing. Allele origin: germline.
Comment: This sequence change replaces glutamic acid, which is acidic and polar, with lysine, which is basic and polar, at codon 1004 of the PDGFRA protein (p.Glu1004Lys). This variant is present in population databases (no rsID available, gnomAD 0.0009%). This variant has not been reported in the literature in individuals affected with PDGFRA-related conditions. ClinVar contains an entry for this variant (Variation ID: 1366497). An algorithm developed to predict the effect of missense changes on protein structure and function (PolyPhen-2) suggests that this variant is likely to be disruptive. In summary, the available evidence is currently insufficient to determine the role of this variant in disease. Therefore, it has been classified as a Variant of Uncertain Significance.